The following is an entry in ClinVar:

ClinVar aggregate classification (germline): Uncertain significance (1 of 4 stars; one submission).

Submission:

Labcorp Genetics (formerly Invitae), Labcorp
Classification: Uncertain significance. Last evaluated: 2023-10-29. Review status: criteria provided, single submitter. Criteria: Invitae Variant Classification Sherloc (09022015). Collection method: clinical testing. Allele origin: germline.
Comment: This sequence change replaces glutamine, which is neutral and polar, with arginine, which is basic and polar, at codon 887 of the ARHGEF18 protein (p.Gln887Arg). This variant is not present in population databases (gnomAD no frequency). This variant has not been reported in the literature in individuals affected with ARHGEF18-related conditions. ClinVar contains an entry for this variant (Variation ID: 964359). An algorithm developed to predict the effect of missense changes on protein structure and function (PolyPhen-2) suggests that this variant is likely to be tolerated. In summary, the available evidence is currently insufficient to determine the role of this variant in disease. Therefore, it has been classified as a Variant of Uncertain Significance.

NM_001367823.1(ARHGEF18):c.3224A>G (p.Gln1075Arg)

Gene: ARHGEF18 (Rho/Rac guanine nucleotide exchange factor 18; plus strand). Cytogenetic location: 19p13.2.
Variant type: single nucleotide variant.
Coding change: c.3224A>G on transcript NM_001367823.1 (MANE Select); coding-DNA position 3224, A replaced by G.
Protein change: p.Gln1075Arg; replaces glutamine 1075 with arginine.
Molecular consequence: missense variant.
Genome position (GRCh38, 1-based): chr19:7,467,428, A>G. VCF-style: chr19-7467428-A-G. GRCh37 (hg19) VCF-style: chr19-7532314-A-G.
Other names: c.2498A>G, p.Gln833Arg (NM_001130955.2); c.2186A>G, p.Gln729Arg (NM_001367824.1, NM_015318.4); short protein forms Q833R, Q1075R, Q729R.
Identifiers: ClinVar variation 964359 (VCV000964359.9), dbSNP rs1976710480, ClinGen allele CA403088243.